The following is an entry in ClinVar:

NM_002225.5(IVD):c.1138+5G>A

Gene: IVD (isovaleryl-CoA dehydrogenase; plus strand). Cytogenetic location: 15q15.1.
Variant type: single nucleotide variant.
Coding change: c.1138+5G>A on transcript NM_002225.5 (MANE Select); 5 bases into the intron after coding-DNA position 1138, G replaced by A.
Molecular consequence: intron variant.
Genome position (GRCh38, 1-based): chr15:40,416,367, G>A. VCF-style: chr15-40416367-G-A. GRCh37 (hg19) VCF-style: chr15-40708566-G-A.
Other names: c.1225+5G>A (NM_001354600.3, NM_001354599.3); c.1138+5G>A (NM_001354598.3, NM_001354601.3); c.1090+5G>A (NM_001354597.3); c.1048+5G>A (NM_001159508.3).
Identifiers: ClinVar variation 3902572 (VCV003902572.2).
Genomic context (GRCh38, chr15:40,416,367, plus strand): 5'-TCTTTACTCAGCTGAGTGTGCCACACAGGTAGCCCTGGACGGCATTCAGTGTTTTGGTGA[G>A]TGATCCCCACTTCCCAGTCCCGGGGCTCCCTCACTCCTGGGGCCTGTGGCTGCTTCAGAA-3'

ClinVar aggregate classification (germline): Uncertain significance. Review status: criteria provided, multiple submitters, no conflicts (2 of 4 stars). 2 submissions from 2 submitters: Uncertain significance (2). Last evaluated 2026-04-28.

Conditions:
Isovaleryl-CoA dehydrogenase deficiency (IVA). Also called: Classic Isovaleric Acidemia; ISOVALERIC ACID CoA DEHYDROGENASE DEFICIENCY; Isovaleric acidemia; IVD DEFICIENCY. Identifiers: Orphanet 33, MedGen C0268575, MONDO:0009475, OMIM 243500.

gnomAD v4.1: 1 of 1,613,618 alleles (0.000062%); highest among the groups gnomAD compares: Non-Finnish European, 0.000085%; no homozygotes.

Submissions (2):

Myriad Genetics, Inc.
Classification: Uncertain significance for Isovaleryl-CoA dehydrogenase deficiency. Last evaluated: 2026-04-28. Review status: criteria provided, single submitter. Criteria: Myriad Autosomal Dominant, Autosomal Recessive and X-Linked Classification Criteria (2023). Collection method: clinical testing. Allele origin: unknown.
Comment: NM_002225.3(IVD):c.1147+5G>A is an intronic variant classified as a variant of uncertain significance in the context of isovaleric acidemia. c.1147+5G>A has been observed in a case with relevant disease (PMID: 33210480). Relevant functional assessments of this variant are not available in the literature. c.1147+5G>A has not been observed in referenced population frequency databases. In summary, there is insufficient evidence to classify NM_002225.3(IVD):c.1147+5G>A as pathogenic or benign. Please note: this variant was assessed in the context of healthy population screening.

Women's Health and Genetics/Laboratory Corporation of America, LabCorp
Classification: Uncertain significance. Last evaluated: 2025-05-02. Review status: criteria provided, single submitter. Criteria: LabCorp Variant Classification Summary - May 2015. Collection method: clinical testing. Allele origin: germline.
Comment: Variant summary: IVD c.1138+5G>A alters a nucleotide located close to a canonical splice site and therefore could affect mRNA splicing, leading to a significantly altered protein sequence. Several computational tools predict a significant impact on normal splicing: Three predict the variant weakens the canonical 5' donor site. One predict the variant abolishes the canonical 5' splicing donor site. However, these predictions have yet to be confirmed by functional studies. The variant was absent in 251162 control chromosomes. The available data on variant occurrences in the general population are insufficient to allow any conclusion about variant significance. c.1138+5G>A has been observed in individuals affected with Isovaleryl-CoA Dehydrogenase Deficiency (Guo_2023, Hu_2020). These data do not allow any conclusion about variant significance. To our knowledge, no experimental evidence demonstrating an impact on protein function has been reported. The following publications have been ascertained in the context of this evaluation (PMID: 37308883, 33210480). No submitters have cited clinical-significance assessments for this variant to ClinVar. Based on the evidence outlined above, the variant was classified as uncertain significance.

Literature cited by the submitters: PubMed 33210480 (cited by Myriad Genetics, Inc. and Women's Health and Genetics/Laboratory Corporation of America, LabCorp); PubMed 37308883 (cited by Women's Health and Genetics/Laboratory Corporation of America, LabCorp).